The following is an entry in ClinVar:

NM_001039348.3(EFEMP1):c.1318C>T (p.Arg440Ter)

Gene: EFEMP1 (EGF containing fibulin extracellular matrix protein 1; minus strand). Cytogenetic location: 2p16.1.
Variant type: single nucleotide variant.
Coding change: c.1318C>T on transcript NM_001039348.3 (MANE Select); coding-DNA position 1318, C replaced by T.
Protein change: p.Arg440Ter; replaces arginine 440 with a stop codon.
Molecular consequence: nonsense.
Genome position (GRCh38, 1-based): chr2:55,870,722, G>A on the plus strand (C>T on the coding strand, the complement: EFEMP1 is on the minus strand). VCF-style: chr2-55870722-G-A. GRCh37 (hg19) VCF-style: chr2-56097857-G-A.
Other names: c.1318C>T, p.Arg440Ter (NM_001039349.3); short protein forms R440*.
Identifiers: ClinVar variation 2428958 (VCV002428958.3), dbSNP rs2104368767, ClinGen allele CA347027809.

ClinVar aggregate classification (germline): Uncertain significance (1 of 4 stars; one submission).

Allele frequency attached by ClinVar (database versions not stated): gnomAD exomes below 0.00001.
gnomAD v4.1: 1 of 1,613,462 alleles (0.000062%); highest among the groups gnomAD compares: South Asian, 0.0011%; no homozygotes.

Submission:

GeneDx
Classification: Uncertain significance. Last evaluated: 2022-07-31. Review status: criteria provided, single submitter. Criteria: GeneDx Variant Classification Process June 2021. Collection method: clinical testing. Allele origin: germline. Affected: yes.
Comment: Not observed at significant frequency in large population cohorts (gnomAD); Nonsense variant predicted to result in protein truncation as the last 54 amino acids are lost, although loss-of-function variants have not been reported downstream of this position in the protein; Has not been previously published as pathogenic or benign to our knowledge